The following is an entry in ClinVar:

ClinVar aggregate classification (germline): Uncertain significance (1 of 4 stars; one submission).

gnomAD v4.1: 1 of 1,602,122 alleles (0.000062%); highest among the groups gnomAD compares: Middle Eastern, 0.02%; no homozygotes.

Submission:

Ambry Genetics
Classification: Uncertain significance. Last evaluated: 2025-05-11. Review status: criteria provided, single submitter. Criteria: Ambry Variant Classification Scheme 2023. Collection method: clinical testing. Allele origin: germline.
Comment: The p.L342F variant (also known as c.1026G>T), located in coding exon 9 of the GEN1 gene, results from a G to T substitution at nucleotide position 1026. The leucine at codon 342 is replaced by phenylalanine, an amino acid with highly similar properties. This amino acid position is conserved. In addition, this alteration is predicted to be tolerated by in silico analysis. Based on the available evidence, the clinical significance of this variant remains unclear.

NM_001130009.3(GEN1):c.1026G>T (p.Leu342Phe)

Gene: GEN1 (GEN1 Holliday junction 5' flap endonuclease; plus strand). Cytogenetic location: 2p24.2.
Variant type: single nucleotide variant.
Coding change: c.1026G>T on transcript NM_001130009.3 (MANE Select); coding-DNA position 1026, G replaced by T.
Protein change: p.Leu342Phe; replaces leucine 342 with phenylalanine.
Molecular consequence: missense variant.
Genome position (GRCh38, 1-based): chr2:17,773,254, G>T. VCF-style: chr2-17773254-G-T. GRCh37 (hg19) VCF-style: chr2-17954521-G-T.
Other names: c.1026G>T, p.Leu342Phe (NM_182625.5); short protein forms L342F.
Identifiers: ClinVar variation 4029285 (VCV004029285.1).